The following is an entry in ClinVar:

NM_004958.4(MTOR):c.6325del (p.Arg2109fs)

Gene: MTOR (mechanistic target of rapamycin kinase; minus strand). Cytogenetic location: 1p36.22.
Variant type: Deletion.
Coding change: c.6325del on transcript NM_004958.4 (MANE Select); coding-DNA position 6325, one base deleted (C; older notation c.6325delC).
Protein change: p.Arg2109fs; shifts the reading frame from arginine 2109.
Molecular consequence: frameshift variant.
Genome position (GRCh38, 1-based): chr1:11,127,036, G deleted on the plus strand (C on the coding strand, the reverse complement: MTOR is on the minus strand); the first of 2 consecutive G bases (chr1:11,127,036-11,127,037); deleting either gives the same sequence. VCF-style (leftmost placement, unchanged base first): chr1-11127035-CG-C. GRCh37 (hg19) VCF-style: chr1-11187092-CG-C.
Other names: c.6325del, p.Arg2109fs (NM_001386500.1); c.5077del, p.Arg1693fs (NM_001386501.1); short protein forms R1693fs, R2109fs.
Identifiers: ClinVar variation 1194968 (VCV001194968.2), dbSNP rs2100401305, ClinGen allele CA2499214113.

ClinVar aggregate classification (germline): Uncertain significance (1 of 4 stars; one submission).

Submission:

GeneDx
Classification: Uncertain significance. Last evaluated: 2020-02-14. Review status: criteria provided, single submitter. Criteria: GeneDx Variant Classification Process June 2021. Collection method: clinical testing. Allele origin: germline. Affected: yes.
Comment: Not observed in large population cohorts (Lek et al., 2016); Frameshift variant predicted to result in protein truncation or nonsense mediated decay in a gene for which loss-of-function is not a known mechanism of disease; Has not been previously published as pathogenic or benign to our knowledge